The following is an entry in ClinVar:

NM_001379451.1(BCORL1):c.1825C>T (p.Arg609Ter)

Gene: BCORL1 (BCL6 corepressor like 1; plus strand). Cytogenetic location: Xq26.1.
Variant type: single nucleotide variant.
Coding change: c.1825C>T on transcript NM_001379451.1 (MANE Select); coding-DNA position 1825, C replaced by T.
Protein change: p.Arg609Ter; replaces arginine 609 with a stop codon.
Molecular consequence: nonsense.
Genome position (GRCh38, 1-based): chrX:130,014,597, C>T. VCF-style: chrX-130014597-C-T. GRCh37 (hg19) VCF-style: chrX-129148573-C-T.
Other names: c.1825C>T, p.Arg609Ter (NM_001184772.3, NM_001379450.1, NM_021946.5); short protein forms R609*.
Identifiers: ClinVar variation 3255152 (VCV003255152.2), dbSNP rs2522667204.

ClinVar aggregate classification (germline): Uncertain significance (1 of 4 stars; one submission).

Conditions:
Shukla-Vernon syndrome. Identifiers: MedGen C5193146, MONDO:0026727, OMIM 301029.

Submission:

Victorian Clinical Genetics Services, Murdoch Childrens Research Institute
Classification: Uncertain significance for Shukla-Vernon syndrome. Last evaluated: 2024-10-09. Review status: criteria provided, single submitter. Criteria: ACMG Guidelines, 2015. Collection method: clinical testing. Allele origin: germline. Inheritance: X-linked recessive inheritance. Affected: yes.
Comment: Based on the classification scheme VCGS_Germline_v1.3.5, this variant is classified as VUS-3A. Following criteria are met: 0105 - The mechanism of disease for this gene is not clearly established. (I) 0109 - This gene is associated with X-linked recessive disease. Carrier females may have mild manifestations (PMID: 33810051). (I) 0115 - Variants in this gene are known to have variable expressivity. The degree of intellectual disability varies from mild to severe among patients (PMID: 33810051). (I) 0201 - Variant is predicted to cause nonsense-mediated decay (NMD) and loss of protein (premature termination codon is located at least 54 nucleotides upstream of the final exon-exon junction). (SP) 0251 - This variant is heterozygous. (I) 0301 - Variant is absent from gnomAD (v2, v3 and v4). (SP) 0309 - An alternative NMD-predicted variant has been observed in gnomAD (v2) (3 heterozygotes, 0 homozygotes, 1 hemizygote). (I) 0704 - Other NMD-predicted variants comparable to the one identified in this case have limited previous evidence for pathogenicity. Three NMD-predicted variants have been classified as likely pathogenic or pathogenic and have been associated with Shukla-Vernon syndrome (ClinVar, PMID: 36553572). However, it should also be noted that there are multiple NMD-predicted variants that have been classified as a VUS. (SP) 0807 - This variant has no previous evidence of pathogenicity. (I) 0906 - Segregation evidence for this variant is inconclusive. (I) 1007 - No published functional evidence has been identified for this variant. (I) Legend: (SP) - Supporting pathogenic, (I) - Information, (SB) - Supporting benign

Literature cited by the submitters: PubMed 33810051; PubMed 36553572.